The following is an entry in ClinVar:

ClinVar aggregate classification (germline): Uncertain significance (1 of 4 stars; one submission).

gnomAD v4.1: 1 of 1,614,150 alleles (0.000062%); no homozygotes.

Submission:

Ambry Genetics
Classification: Uncertain significance. Last evaluated: 2023-06-24. Review status: criteria provided, single submitter. Criteria: Ambry Variant Classification Scheme 2023. Collection method: clinical testing. Allele origin: germline.
Comment: The p.V143M variant (also known as c.427G>A), located in coding exon 6 of the RAD54L gene, results from a G to A substitution at nucleotide position 427. The valine at codon 143 is replaced by methionine, an amino acid with highly similar properties. This amino acid position is conserved. In addition, this alteration is predicted to be deleterious by in silico analysis. Since supporting evidence is limited at this time, the clinical significance of this alteration remains unclear.

NM_003579.4(RAD54L):c.427G>A (p.Val143Met)

Gene: RAD54L (RAD54 like; plus strand). Cytogenetic location: 1p34.1.
Variant type: single nucleotide variant.
Coding change: c.427G>A on transcript NM_003579.4 (MANE Select); coding-DNA position 427, G replaced by A.
Protein change: p.Val143Met; replaces valine 143 with methionine.
Molecular consequence: missense variant. On other transcripts: 5 prime UTR variant (1).
Genome position (GRCh38, 1-based): chr1:46,260,561, G>A. VCF-style: chr1-46260561-G-A. GRCh37 (hg19) VCF-style: chr1-46726233-G-A.
Other names: c.427G>A, p.Val143Met (NM_001142548.2); c.-114G>A (NM_001370766.1); short protein forms V143M.
Identifiers: ClinVar variation 2625147 (VCV002625147.2), dbSNP rs2525667362, ClinGen allele CA340184748.